The following is an entry in ClinVar:

NM_001134363.3(RBM20):c.3562A>G (p.Arg1188Gly)

Gene: RBM20 (RNA binding motif protein 20; plus strand). Cytogenetic location: 10q25.2.
Variant type: single nucleotide variant.
Coding change: c.3562A>G on transcript NM_001134363.3 (MANE Select); coding-DNA position 3562, A replaced by G.
Protein change: p.Arg1188Gly; replaces arginine 1188 with glycine.
Molecular consequence: missense variant.
Genome position (GRCh38, 1-based): chr10:110,831,171, A>G. VCF-style: chr10-110831171-A-G. GRCh37 (hg19) VCF-style: chr10-112590929-A-G.
Other names: short protein forms R1188G.
Identifiers: ClinVar variation 2699695 (VCV002699695.4), dbSNP rs1396066255, ClinGen allele CA378386769.

ClinVar aggregate classification (germline): Conflicting classifications of pathogenicity. Review status: criteria provided, conflicting classifications (1 of 4 stars). 2 submissions from 2 submitters: Uncertain significance (1); Benign (1). Last evaluated 2025-06-16.

Conditions:
Cardiovascular phenotype. Identifiers: MedGen CN230736.
Dilated cardiomyopathy 1DD (CMD1DD). Identifiers: Orphanet 154, MedGen C2750995, MONDO:0013168, OMIM 613172.

Allele frequency attached by ClinVar (database versions not stated): gnomAD exomes below 0.00001.
gnomAD v4.1: 3 of 1,551,194 alleles (0.00019%); highest among the groups gnomAD compares: African/African-American, 0.0027%; no homozygotes.

Submissions (2):

Ambry Genetics
Classification: Uncertain significance for Cardiovascular phenotype. Last evaluated: 2025-06-16. Review status: criteria provided, single submitter. Criteria: Ambry Variant Classification Scheme 2023. Collection method: clinical testing. Allele origin: germline.
Comment: The p.R1188G variant (also known as c.3562A>G), located in coding exon 13 of the RBM20 gene, results from an A to G substitution at nucleotide position 3562. The arginine at codon 1188 is replaced by glycine, an amino acid with dissimilar properties. This amino acid position is conserved. In addition, the in silico prediction for this alteration is inconclusive. Based on the available evidence, the clinical significance of this variant remains unclear.

Labcorp Genetics (formerly Invitae), Labcorp
Classification: Benign for Dilated cardiomyopathy 1DD. Last evaluated: 2024-01-15. Review status: criteria provided, single submitter. Criteria: Invitae Variant Classification Sherloc (09022015). Collection method: clinical testing. Allele origin: germline.